The following is an entry in ClinVar:

NM_000199.5(SGSH):c.1253G>C (p.Gly418Ala)

Gene: SGSH (N-sulfoglucosamine sulfohydrolase; minus strand). Cytogenetic location: 17q25.3.
Variant type: single nucleotide variant.
Coding change: c.1253G>C on transcript NM_000199.5 (MANE Select); coding-DNA position 1253, G replaced by C.
Protein change: p.Gly418Ala; replaces glycine 418 with alanine.
Molecular consequence: missense variant. On other transcripts: 3 prime UTR variant (2), non-coding transcript variant (1).
Genome position (GRCh38, 1-based): chr17:80,210,708, C>G on the plus strand (G>C on the coding strand, the complement: SGSH is on the minus strand). VCF-style: chr17-80210708-C-G. GRCh37 (hg19) VCF-style: chr17-78184507-C-G.
Other names: c.*340G>C (NM_001352921.3); c.*303G>C (NM_001352922.2); short protein forms G418A.
Identifiers: ClinVar variation 2759022 (VCV002759022.3), dbSNP rs760618916, ClinGen allele CA401358821.

ClinVar aggregate classification (germline): Uncertain significance (1 of 4 stars; one submission).

Conditions:
Mucopolysaccharidosis, MPS-III-A (MPS3A). Also called: Mucopolysaccharidosis type IIIA (Sanfilippo A); Mucopolysaccharidosis, type IIIA; mucopolysaccharidosis type 3A; MPS IIIA (Sanfilippo Syndrome Type A); HEPARAN SULFATE SULFATASE DEFICIENCY; SANFILIPPO SYNDROME A. Identifiers: Orphanet 581, Orphanet 79269, MedGen C0086647, MONDO:0009655, OMIM 252900.

Submission:

Labcorp Genetics (formerly Invitae), Labcorp
Classification: Uncertain significance for Mucopolysaccharidosis, MPS-III-A. Last evaluated: 2023-09-13. Review status: criteria provided, single submitter. Criteria: Invitae Variant Classification Sherloc (09022015). Collection method: clinical testing. Allele origin: germline.
Comment: This sequence change replaces glycine, which is neutral and non-polar, with alanine, which is neutral and non-polar, at codon 418 of the SGSH protein (p.Gly418Ala). This variant is not present in population databases (gnomAD no frequency). This variant has not been reported in the literature in individuals affected with SGSH-related conditions. Advanced modeling of protein sequence and biophysical properties (such as structural, functional, and spatial information, amino acid conservation, physicochemical variation, residue mobility, and thermodynamic stability) has been performed at Invitae for this missense variant, however the output from this modeling did not meet the statistical confidence thresholds required to predict the impact of this variant on SGSH protein function. In summary, the available evidence is currently insufficient to determine the role of this variant in disease. Therefore, it has been classified as a Variant of Uncertain Significance.